The following is an entry in ClinVar:

NM_002439.5(MSH3):c.3073G>T (p.Val1025Leu)

Gene: MSH3 (mutS homolog 3; plus strand). Cytogenetic location: 5q14.1.
Variant type: single nucleotide variant.
Coding change: c.3073G>T on transcript NM_002439.5 (MANE Select); coding-DNA position 3073, G replaced by T.
Protein change: p.Val1025Leu; replaces valine 1025 with leucine.
Molecular consequence: missense variant.
Genome position (GRCh38, 1-based): chr5:80,864,885, G>T. VCF-style: chr5-80864885-G-T. GRCh37 (hg19) VCF-style: chr5-80160704-G-T.
Other names: short protein forms V1025L.
Identifiers: ClinVar variation 955119 (VCV000955119.7), dbSNP rs375336744, ClinGen allele CA3328442.

ClinVar aggregate classification (germline): Uncertain significance (1 of 4 stars; one submission).

Allele frequency attached by ClinVar (database versions not stated): TOPMed 0.00001.

Submission:

Labcorp Genetics (formerly Invitae), Labcorp
Classification: Uncertain significance. Last evaluated: 2026-02-02. Review status: criteria provided, single submitter. Criteria: Invitae Variant Classification Sherloc (09022015). Collection method: clinical testing. Allele origin: germline.
Comment: This sequence change replaces valine, which is neutral and non-polar, with leucine, which is neutral and non-polar, at codon 1025 of the MSH3 protein (p.Val1025Leu). This variant is present in population databases (rs375336744, gnomAD 0.003%). This variant has not been reported in the literature in individuals affected with MSH3-related conditions. ClinVar contains an entry for this variant (Variation ID: 955119). An algorithm developed to predict the effect of missense changes on protein structure and function (PolyPhen-2) suggests that this variant is likely to be disruptive. In summary, the available evidence is currently insufficient to determine the role of this variant in disease. Therefore, it has been classified as a Variant of Uncertain Significance.